The following is an entry in ClinVar:

ClinVar aggregate classification (germline): Uncertain significance (1 of 4 stars; one submission).

Conditions:
Hereditary cancer-predisposing syndrome. Also called: Hereditary Cancer Syndrome; Hereditary neoplastic syndrome; Neoplastic Syndromes, Hereditary; Tumor predisposition. Identifiers: Orphanet 140162, MedGen C0027672, MeSH D009386, MONDO:0015356.

Submission:

Ambry Genetics
Classification: Uncertain significance for Hereditary cancer-predisposing syndrome. Last evaluated: 2021-12-10. Review status: criteria provided, single submitter. Criteria: Ambry Variant Classification Scheme 2023. Collection method: clinical testing. Allele origin: germline.
Comment: The p.L5R variant (also known as c.14T>G), located in coding exon 1 of the NBN gene, results from a T to G substitution at nucleotide position 14. The leucine at codon 5 is replaced by arginine, an amino acid with dissimilar properties. This amino acid position is conserved. In addition, this alteration is predicted to be tolerated by in silico analysis. Since supporting evidence is limited at this time, the clinical significance of this alteration remains unclear.

NM_002485.5(NBN):c.14T>G (p.Leu5Arg)

Gene: NBN (nibrin; minus strand). Cytogenetic location: 8q21.3.
Variant type: single nucleotide variant.
Coding change: c.14T>G on transcript NM_002485.5 (MANE Select); coding-DNA position 14, T replaced by G.
Protein change: p.Leu5Arg; replaces leucine 5 with arginine.
Molecular consequence: missense variant. On other transcripts: 5 prime UTR variant (1).
Genome position (GRCh38, 1-based): chr8:89,984,548, A>C on the plus strand (T>G on the coding strand, the complement: NBN is on the minus strand). VCF-style: chr8-89984548-A-C. GRCh37 (hg19) VCF-style: chr8-90996776-A-C.
Other names: c.-283T>G (NM_001024688.3); short protein forms L5R.
Identifiers: ClinVar variation 1773991 (VCV001773991.2), dbSNP rs1586116142, ClinGen allele CA371664187.